The following is an entry in ClinVar:

NM_000138.5(FBN1):c.8603T>A (p.Val2868Asp)

Gene: FBN1 (fibrillin 1; minus strand). Cytogenetic location: 15q21.1.
Variant type: single nucleotide variant.
Coding change: c.8603T>A on transcript NM_000138.5 (MANE Select); coding-DNA position 8603, T replaced by A.
Protein change: p.Val2868Asp; replaces valine 2868 with aspartic acid.
Molecular consequence: missense variant.
Genome position (GRCh38, 1-based): chr15:48,411,003, A>T on the plus strand (T>A on the coding strand, the complement: FBN1 is on the minus strand). VCF-style: chr15-48411003-A-T. GRCh37 (hg19) VCF-style: chr15-48703200-A-T.
Other names: short protein forms V2868D.
Identifiers: ClinVar variation 519710 (VCV000519710.5), dbSNP rs1555393485, ClinGen allele CA392318409.
Genomic context (GRCh38, chr15:48,411,003, plus strand): 5'-TATCTATATTTGTTTTTCTTTTAATTATTTGGTCTCTGGATGGTGAATTAATGAAGCAAA[A>T]CCTGGATTTTCATCTTCAGATTATCACCCAGTTCACCACTGAGGTAGTCTTTGTCATATT-3'
Protein context (NP_000129.3, residues 2858-2871): LGDNLKMKIQ[Val2868Asp]LLH

ClinVar aggregate classification (germline): Uncertain significance (1 of 4 stars; one submission).

Conditions:
Familial thoracic aortic aneurysm and aortic dissection (TAAD). Also called: Thoracic aortic aneurysms and dissections. Identifiers: Orphanet 91387, MedGen C4707243, MONDO:0019625.

Submission:

Ambry Genetics
Classification: Uncertain significance for Familial thoracic aortic aneurysm and aortic dissection. Last evaluated: 2016-04-18. Review status: criteria provided, single submitter. Criteria: Ambry Variant Classification Scheme 2023. Collection method: clinical testing. Allele origin: germline.
Comment: The p.V2868D variant (also known as c.8603T>A), located in coding exon 65 of the FBN1 gene, results from a T to A substitution at nucleotide position 8603. The valine at codon 2868 is replaced by aspartic acid, an amino acid with highly dissimilar properties. This variant was not reported in population based cohorts in the following databases: Database of Single Nucleotide Polymorphisms (dbSNP), NHLBI Exome Sequencing Project (ESP), and 1000 Genomes Project. In the ESP, this variant was not observed in 6495 samples (12990 alleles) with coverage at this position. This amino acid position is poorly conserved in available vertebrate species. In addition, the in silico prediction for this alteration is inconclusive. Since supporting evidence is limited at this time, the clinical significance of this variant remains unclear.